The following is an entry in ClinVar:

ClinVar aggregate classification (germline): Uncertain significance. Review status: criteria provided, multiple submitters, no conflicts (2 of 4 stars). 2 submissions from 2 submitters: Uncertain significance (2). Last evaluated 2024-06-10.

Conditions:
Charcot-Marie-Tooth disease type 2. Also called: Charcot-Marie-Tooth type 2. Identifiers: Orphanet 64746, MedGen C0270914, MONDO:0018993.

Allele frequency attached by ClinVar (database versions not stated): gnomAD exomes below 0.00001; TOPMed below 0.00001; ExAC 0.00001; gnomAD 0.00001.
gnomAD v4.1: 27 of 1,614,054 alleles (0.0017%); highest among the groups gnomAD compares: East Asian, 0.0022%; no homozygotes.

Submissions (2):

Labcorp Genetics (formerly Invitae), Labcorp
Classification: Uncertain significance for Charcot-Marie-Tooth disease type 2. Last evaluated: 2024-06-10. Review status: criteria provided, single submitter. Criteria: Invitae Variant Classification Sherloc (09022015). Collection method: clinical testing. Allele origin: germline.
Comment: This sequence change replaces valine, which is neutral and non-polar, with isoleucine, which is neutral and non-polar, at codon 78 of the MFN2 protein (p.Val78Ile). This variant is present in population databases (rs764695837, gnomAD 0.006%). This variant has not been reported in the literature in individuals affected with MFN2-related conditions. ClinVar contains an entry for this variant (Variation ID: 1013506). Advanced modeling of protein sequence and biophysical properties (such as structural, functional, and spatial information, amino acid conservation, physicochemical variation, residue mobility, and thermodynamic stability) performed at Invitae indicates that this missense variant is not expected to disrupt MFN2 protein function with a negative predictive value of 95%. In summary, the available evidence is currently insufficient to determine the role of this variant in disease. Therefore, it has been classified as a Variant of Uncertain Significance.

CeGaT Center for Human Genetics Tuebingen
Classification: Uncertain significance. Last evaluated: 2020-12-01. Review status: criteria provided, single submitter. Criteria: CeGaT Center For Human Genetics Tuebingen Variant Classification Criteria Version 2. Collection method: clinical testing. Allele origin: germline. Affected: yes. Observed: 1 variant allele.

NM_014874.4(MFN2):c.232G>A (p.Val78Ile)

Gene: MFN2 (mitofusin 2; plus strand). Cytogenetic location: 1p36.22.
Variant type: single nucleotide variant.
Coding change: c.232G>A on transcript NM_014874.4 (MANE Select); coding-DNA position 232, G replaced by A.
Protein change: p.Val78Ile; replaces valine 78 with isoleucine.
Molecular consequence: missense variant.
Genome position (GRCh38, 1-based): chr1:11,992,611, G>A. VCF-style: chr1-11992611-G-A. GRCh37 (hg19) VCF-style: chr1-12052668-G-A.
Other names: c.232G>A, p.Val78Ile (NM_001127660.2); short protein forms V78I.
Identifiers: ClinVar variation 1013506 (VCV001013506.43), dbSNP rs764695837, ClinGen allele CA598780.